The following is an entry in ClinVar:

NM_005045.4(RELN):c.3333+3A>G

Gene: RELN (reelin; minus strand). Cytogenetic location: 7q22.1.
Variant type: single nucleotide variant.
Coding change: c.3333+3A>G on transcript NM_005045.4 (MANE Select); 3 bases into the intron after coding-DNA position 3333, A replaced by G.
Molecular consequence: intron variant.
Genome position (GRCh38, 1-based): chr7:103,603,301, T>C on the plus strand (A>G on the coding strand, the complement: RELN is on the minus strand). VCF-style: chr7-103603301-T-C. GRCh37 (hg19) VCF-style: chr7-103243748-T-C.
Other names: c.3333+3A>G (NM_173054.3).
Identifiers: ClinVar variation 2507321 (VCV002507321.1), dbSNP rs2484734942, ClinGen allele CA2580615964.
Genomic context (GRCh38, chr7:103,603,301, plus strand): 5'-AATTCAGAGTCTCATATTAAACTAGCCATTGCCCCGATGACTTATCCCAGCTGTTGGTCA[T>C]ACCTTGCTGAAGTACAGAGATGATCCAGAAGAGATGACACCACACCCTTGTTCTGGTTTT-3'

ClinVar aggregate classification (germline): Uncertain significance (1 of 4 stars; one submission).

Submission:

GeneDx
Classification: Uncertain significance. Last evaluated: 2022-12-29. Review status: criteria provided, single submitter. Criteria: GeneDx Variant Classification Process June 2021. Collection method: clinical testing. Allele origin: germline. Affected: yes.
Comment: Not observed at significant frequency in large population cohorts (gnomAD); In silico analysis supports a deleterious effect on splicing; Has not been previously published as pathogenic or benign to our knowledge